The following is an entry in ClinVar:

ClinVar aggregate classification (germline): Pathogenic. Review status: criteria provided, multiple submitters, no conflicts (2 of 4 stars). 3 submissions from 3 submitters: Pathogenic (2). 1 of the submissions does not count toward it. Last evaluated 2024-04-20.

Conditions:
McKusick-Kaufman syndrome (MKKS). Also called: HYDROMETROCOLPOS SYNDROME; HYDROMETROCOLPOS, POSTAXIAL POLYDACTYLY, AND CONGENITAL HEART MALFORMATION. Identifiers: Orphanet 2473, MedGen C0948368, MONDO:0009367, OMIM 236700.
Bardet-Biedl syndrome (BBS). Identifiers: Orphanet 110, MedGen C0752166, MONDO:0015229.
Bardet-Biedl syndrome 6 (BBS6). Identifiers: Orphanet 110, MedGen C1858054, MONDO:0011523, OMIM 605231.

Submissions (3):

Fulgent Genetics
Classification: Pathogenic for McKusick-Kaufman syndrome; Bardet-Biedl syndrome 6. Last evaluated: 2024-04-20. Review status: criteria provided, single submitter. Criteria: ACMG Guidelines, 2015. Collection method: clinical testing. Allele origin: germline.

Labcorp Genetics (formerly Invitae), Labcorp
Classification: Pathogenic for McKusick-Kaufman syndrome; Bardet-Biedl syndrome. Last evaluated: 2024-04-06. Review status: criteria provided, single submitter. Criteria: Invitae Variant Classification Sherloc (09022015). Collection method: clinical testing. Allele origin: germline.
Comment: This sequence change creates a premature translational stop signal (p.Phe94Serfs*9) in the MKKS gene. It is expected to result in an absent or disrupted protein product. Loss-of-function variants in MKKS are known to be pathogenic (PMID: 11179009, 28761321, 30614526). This variant is not present in population databases (gnomAD no frequency). This premature translational stop signal has been observed in individual(s) with Bardet-Biedl syndrome (PMID: 10973251). This variant is also known as 280∆T (F94fsX103). ClinVar contains an entry for this variant (Variation ID: 5313). For these reasons, this variant has been classified as Pathogenic.

OMIM
Classification: Pathogenic for BARDET-BIEDL SYNDROME 6. Last evaluated: 2000-09-01. Review status: no assertion criteria provided. Collection method: literature only. Allele origin: germline. Not counted in ClinVar's aggregate classification.

Literature cited by the submitters: PubMed 11179009 (cited by Labcorp Genetics (formerly Invitae), Labcorp); PubMed 28761321 (cited by Labcorp Genetics (formerly Invitae), Labcorp); PubMed 30614526 (cited by Labcorp Genetics (formerly Invitae), Labcorp); PubMed 10973251 (cited by Labcorp Genetics (formerly Invitae), Labcorp and OMIM); PubMed 10973238 (cited by OMIM).

NM_170784.3(MKKS):c.281del (p.Phe94fs)

Gene: MKKS (MKKS centrosomal shuttling protein; minus strand). Cytogenetic location: 20p12.2.
Variant type: Deletion.
Coding change: c.281del on transcript NM_170784.3 (MANE Select); coding-DNA position 281, one base deleted (T; older notation c.281delT).
Protein change: p.Phe94fs; shifts the reading frame from phenylalanine 94.
Molecular consequence: frameshift variant.
Genome position (GRCh38, 1-based): chr20:10,413,234, A deleted on the plus strand (T on the coding strand, the reverse complement: MKKS is on the minus strand); the first of 2 consecutive A bases (chr20:10,413,234-10,413,235); deleting either gives the same sequence. VCF-style (leftmost placement, unchanged base first): chr20-10413233-GA-G. GRCh37 (hg19) VCF-style: chr20-10393881-GA-G.
Other names: c.281del, p.Phe94fs (NM_018848.3); short protein forms F94fs.
Identifiers: ClinVar variation 5313 (VCV000005313.6), dbSNP rs587777827, ClinGen allele CA253463.